The following is an entry in ClinVar:

ClinVar aggregate classification (germline): Pathogenic (1 of 4 stars; one submission).

Submission:

GeneDx
Classification: Pathogenic. Last evaluated: 2025-10-29. Review status: criteria provided, single submitter. Criteria: GeneDx Variant Classification Process June 2021. Collection method: clinical testing. Allele origin: germline. Affected: yes.
Comment: Not observed at significant frequency in large population cohorts (gnomAD); In silico analysis supports that this missense variant has a deleterious effect on protein structure/function; This variant is associated with the following publications: (PMID: 35008787, 33443663, 40225167)

NM_001042492.3(NF1):c.5545G>A (p.Asp1849Asn)

Gene: NF1 (neurofibromin 1; plus strand). Cytogenetic location: 17q11.2.
Variant type: single nucleotide variant.
Coding change: c.5545G>A on transcript NM_001042492.3 (MANE Select); coding-DNA position 5545, G replaced by A.
Protein change: p.Asp1849Asn; replaces aspartic acid 1849 with asparagine.
Molecular consequence: missense variant.
Genome position (GRCh38, 1-based): chr17:31,327,775, G>A. VCF-style: chr17-31327775-G-A. GRCh37 (hg19) VCF-style: chr17-29654793-G-A.
Other names: c.5482G>A, p.Asp1828Asn (NM_000267.4); short protein forms D1828N, D1849N.
Identifiers: ClinVar variation 1695812 (VCV001695812.3), dbSNP rs2151541722, ClinGen allele CA399009834.
Genomic context (GRCh38, chr17:31,327,775, plus strand): 5'-ACCCGCTGGGAACTGTCACAGCCCGACTCTATCCCCCAACACACCAAGATTCGGCCAAAA[G>A]ATGTCCCTGGGACACTGCTCAATATCGCATTACTTAATTTAGGCAGTTCTGACCCGAGTT-3'
Protein context (NP_001035957.1, residues 1839-1859): IPQHTKIRPK[Asp1849Asn]VPGTLLNIAL